The following is an entry in ClinVar:

ClinVar aggregate classification (germline): Likely pathogenic (1 of 4 stars; one submission).

Conditions:
Atrial fibrillation, familial, 3 (ATFB3). Identifiers: MedGen C1837014, MONDO:0011857, OMIM 607554.
Long QT syndrome 1 (LQT1). Identifiers: Orphanet 101016, Orphanet 768, MedGen C4551647, MONDO:0100316, OMIM 192500, MONDO:0008646.
Short QT syndrome type 2. Identifiers: Orphanet 51083, MedGen C1865019, MONDO:0012313, OMIM 609621.

Submission:

New York Genome Center
Classification: Likely pathogenic for Long QT syndrome 1; Short QT syndrome type 2; Atrial fibrillation, familial, 3. Last evaluated: 2021-08-23. Review status: criteria provided, single submitter. Criteria: NYGC Assertion Criteria 2020. Collection method: clinical testing. Allele origin: inherited. Observed: 1 heterozygote. Study: PrenatalSEQ.
Comment: This inherited heterozygous 363 base-pair genomic deletion is in the last exon (exon 16) of the KCNQ1 gene. The deleted region contains >90% of protein-coding part of the last exon as well as part of 3’ Untranslated Region (3’UTR) of the KCNQ1 gene. The resultant predicted protein product would lack the last seventy-three amino acid residues (>10% of the protein) and would include 27 out-of-frame residues (c.1812_*143del, p.(Gln604_Ser676delins(27))). Although this genomic deletion has not been reported previously in the literature or in the population databases, other frameshift variants in the last exon of KCNQ1 have been reported in the literature and ClinVar as likely pathogenic and pathogenic [ClinVar ID:53027, 928774] [PMID: 10024302, 16981927, 19716085, 19825999, 23098067, 23631430, 25187895]. Furthermore, functional studies performed on a frameshift variant located in the last exon (p.Pro631fs) showed that replacing these amino acid residues with out-of-frame residues might impair cell surface expression of the protein due to retention in the endoplasmic reticulum [PMID:19825999]. Based on the available evidence, this inherited c.1812_*143del variant is reported as Likely pathogenic.

NM_000218.3(KCNQ1):c.1812_*143del (p.Gln604_Ter677delinsXaa)

Genes: KCNQ1-AS1 (KCNQ1 antisense RNA 1; minus strand), KCNQ1 (potassium voltage-gated channel subfamily Q member 1; plus strand). Cytogenetic location: 11p15.4.
Variant type: Deletion.
Coding change: c.1812_*143del on transcript NM_000218.3 (MANE Select); coding-DNA position 1812 through 143 bases downstream of the stop codon, 363 bases deleted.
Protein change: p.Gln604_Ter677delinsXaa.
Molecular consequence: stop lost.
Genome position (GRCh38, 1-based): chr11:2,847,784-2,848,146, 363 bases deleted. GRCh37 (hg19): chr11:2,869,014-2,869,376.
Other names: c.1716_*143del, p.Gln572_Ter645delinsXaa (NM_001406836.1); c.1542_*143del, p.Gln514_Ter587delinsXaa (NM_001406837.1); c.1272_*143del, p.Gln424_Ter497delinsXaa (NM_001406838.1); c.324_*143del, p.Gln108_Ter181delinsXaa (NM_001406839.1); c.1431_*143del, p.Gln477_Ter550delinsXaa (NM_181798.2).
Identifiers: ClinVar variation 3235891 (VCV003235891.1), dbSNP rs2494325585, ClinGen allele CA2825001870.